The following is an entry in ClinVar:

ClinVar aggregate classification (germline): Uncertain significance (1 of 4 stars; one submission).

Conditions:
Primary ciliary dyskinesia. Also called: Ciliary dyskinesia. Identifiers: Orphanet 244, MedGen C0008780, MONDO:0016575, HP:0012265.

Allele frequency attached by ClinVar (database versions not stated): gnomAD exomes below 0.00001; TOPMed below 0.00001.
gnomAD v4.1: 3 of 1,613,194 alleles (0.00019%); highest among the groups gnomAD compares: African/African-American, 0.004%; no homozygotes.

Submission:

Labcorp Genetics (formerly Invitae), Labcorp
Classification: Uncertain significance for Primary ciliary dyskinesia. Last evaluated: 2022-07-05. Review status: criteria provided, single submitter. Criteria: Invitae Variant Classification Sherloc (09022015). Collection method: clinical testing. Allele origin: germline.
Comment: In summary, the available evidence is currently insufficient to determine the role of this variant in disease. Therefore, it has been classified as a Variant of Uncertain Significance. Algorithms developed to predict the effect of sequence changes on RNA splicing suggest that this variant may disrupt the consensus splice site. Algorithms developed to predict the effect of missense changes on protein structure and function output the following: SIFT: "Tolerated"; PolyPhen-2: "Benign"; Align-GVGD: "Class C0". The arginine amino acid residue is found in multiple mammalian species, which suggests that this missense change does not adversely affect protein function. ClinVar contains an entry for this variant (Variation ID: 1035341). This variant has not been reported in the literature in individuals affected with DNAI2-related conditions. The frequency data for this variant in the population databases is considered unreliable, as metrics indicate poor data quality at this position in the gnomAD database. This sequence change replaces lysine, which is basic and polar, with arginine, which is basic and polar, at codon 524 of the DNAI2 protein (p.Lys524Arg).

NM_023036.6(DNAI2):c.1571A>G (p.Lys524Arg)

Gene: DNAI2 (dynein axonemal intermediate chain 2; plus strand). Cytogenetic location: 17q25.1.
Variant type: single nucleotide variant.
Coding change: c.1571A>G on transcript NM_023036.6 (MANE Select); coding-DNA position 1571, A replaced by G.
Protein change: p.Lys524Arg; replaces lysine 524 with arginine.
Molecular consequence: missense variant.
Genome position (GRCh38, 1-based): chr17:74,312,079, A>G. VCF-style: chr17-74312079-A-G. GRCh37 (hg19) VCF-style: chr17-72308218-A-G.
Other names: c.1535A>G, p.Lys512Arg (NM_001172810.3); c.1571A>G, p.Lys524Arg (NM_001353167.2); short protein forms K512R, K524R.
Identifiers: ClinVar variation 1035341 (VCV001035341.7), dbSNP rs1211582211, ClinGen allele CA400913355.